The following is an entry in ClinVar:

ClinVar aggregate classification (germline): Conflicting classifications of pathogenicity. Review status: criteria provided, conflicting classifications (1 of 4 stars). 2 submissions from 2 submitters: Uncertain significance (1); Likely benign (1). Last evaluated 2025-01-07.

Conditions:
Hereditary cancer-predisposing syndrome. Also called: Tumor predisposition; Hereditary Cancer Syndrome; Neoplastic Syndromes, Hereditary; Hereditary neoplastic syndrome. Identifiers: Orphanet 140162, MedGen C0027672, MeSH D009386, MONDO:0015356.
BAP1-related tumor predisposition syndrome (TPDS1). Also called: Tumor susceptibility linked to germline BAP1 mutations; BAP1 tumor predisposition syndrome; COMMON Syndrome; TUMOR PREDISPOSITION SYNDROME 1. Identifiers: Orphanet 289539, MedGen C3280492, MONDO:0013692, OMIM 614327.

Submissions (2):

Ambry Genetics
Classification: Likely benign for Hereditary cancer-predisposing syndrome. Last evaluated: 2025-01-07. Review status: criteria provided, single submitter. Criteria: Ambry Variant Classification Scheme 2023. Collection method: clinical testing. Allele origin: germline.

Labcorp Genetics (formerly Invitae), Labcorp
Classification: Uncertain significance for BAP1-related tumor predisposition syndrome. Last evaluated: 2024-05-07. Review status: criteria provided, single submitter. Criteria: Invitae Variant Classification Sherloc (09022015). Collection method: clinical testing. Allele origin: germline.
Comment: This sequence change replaces serine, which is neutral and polar, with arginine, which is basic and polar, at codon 105 of the BAP1 protein (p.Ser105Arg). This variant is not present in population databases (gnomAD no frequency). This variant has not been reported in the literature in individuals affected with BAP1-related conditions. ClinVar contains an entry for this variant (Variation ID: 823021). Advanced modeling of protein sequence and biophysical properties (such as structural, functional, and spatial information, amino acid conservation, physicochemical variation, residue mobility, and thermodynamic stability) performed at Invitae indicates that this missense variant is not expected to disrupt BAP1 protein function with a negative predictive value of 80%. In summary, the available evidence is currently insufficient to determine the role of this variant in disease. Therefore, it has been classified as a Variant of Uncertain Significance.

NM_004656.4(BAP1):c.315C>G (p.Ser105Arg)

Gene: BAP1 (BRCA1 associated deubiquitinase 1; minus strand). Cytogenetic location: 3p21.1.
Variant type: single nucleotide variant.
Coding change: c.315C>G on transcript NM_004656.4 (MANE Select); coding-DNA position 315, C replaced by G.
Protein change: p.Ser105Arg; replaces serine 105 with arginine.
Molecular consequence: missense variant.
Genome position (GRCh38, 1-based): chr3:52,408,018, G>C on the plus strand (C>G on the coding strand, the complement: BAP1 is on the minus strand). VCF-style: chr3-52408018-G-C. GRCh37 (hg19) VCF-style: chr3-52442034-G-C.
Other names: short protein forms S105R.
Identifiers: ClinVar variation 823021 (VCV000823021.7), dbSNP rs576176888, ClinGen allele CA353112254.
Genomic context (GRCh38, chr3:52,408,018, plus strand): 5'-CTCAGGGCTGAAACCCTTGGTGAAGTCCTTCATGCGACTCAGGGTGGGTCCCAGGTCCAC[G>C]CTGCTGCAGTTCAGGAGCACGCTCAGCAAGGCATGAGTTGCACAAGAGTTGGGTATCAGC-3'
Protein context (NP_004647.1, residues 95-115): ALLSVLLNCS[Ser105Arg]VDLGPTLSRM